The following is an entry in ClinVar:

ClinVar aggregate classification (germline): Uncertain significance (1 of 4 stars; one submission).

Conditions:
Dyskeratosis congenita, autosomal recessive 5 (DKCB5). Identifiers: MedGen C3554656, MONDO:0014076, OMIM 615190.
Pulmonary fibrosis and/or bone marrow failure, Telomere-related, 3. Also called: PULMONARY FIBROSIS AND/OR BONE MARROW FAILURE SYNDROME, TELOMERE-RELATED, 3. Identifiers: Orphanet 2032, MedGen C4225346, MONDO:0014613, OMIM 616373.

Submission:

Labcorp Genetics (formerly Invitae), Labcorp
Classification: Uncertain significance for Dyskeratosis congenita, autosomal recessive 5; Pulmonary fibrosis and/or bone marrow failure, Telomere-related, 3. Last evaluated: 2024-02-23. Review status: criteria provided, single submitter. Criteria: Invitae Variant Classification Sherloc (09022015). Collection method: clinical testing. Allele origin: germline.
Comment: This sequence change replaces alanine, which is neutral and non-polar, with valine, which is neutral and non-polar, at codon 579 of the RTEL1 protein (p.Ala579Val). This variant is not present in population databases (gnomAD no frequency). This variant has not been reported in the literature in individuals affected with RTEL1-related conditions. ClinVar contains an entry for this variant (Variation ID: 1359894). An algorithm developed to predict the effect of missense changes on protein structure and function (PolyPhen-2) suggests that this variant is likely to be tolerated. In summary, the available evidence is currently insufficient to determine the role of this variant in disease. Therefore, it has been classified as a Variant of Uncertain Significance.

NM_001283009.2(RTEL1):c.1736C>T (p.Ala579Val)

Genes: RTEL1 (regulator of telomere elongation helicase 1; plus strand), RTEL1-TNFRSF6B (RTEL1-TNFRSF6B readthrough (NMD candidate); plus strand). Cytogenetic location: 20q13.33.
Variant type: single nucleotide variant.
Coding change: c.1736C>T on transcript NM_001283009.2 (MANE Select); coding-DNA position 1736, C replaced by T.
Protein change: p.Ala579Val; replaces alanine 579 with valine.
Molecular consequence: missense variant. On other transcripts: non-coding transcript variant (1).
Genome position (GRCh38, 1-based): chr20:63,688,541, C>T. VCF-style: chr20-63688541-C-T. GRCh37 (hg19) VCF-style: chr20-62319894-C-T.
Other names: c.1067C>T, p.Ala356Val (NM_001283010.1); c.1736C>T, p.Ala579Val (NM_016434.4); c.1808C>T, p.Ala603Val (NM_032957.5); short protein forms A356V, A603V, A579V.
Identifiers: ClinVar variation 1359894 (VCV001359894.8), dbSNP rs2145423231, ClinGen allele CA409677966.